The following is an entry in ClinVar:

NM_014000.3(VCL):c.2131+3A>G

Gene: VCL (vinculin; plus strand). Cytogenetic location: 10q22.2.
Variant type: single nucleotide variant.
Coding change: c.2131+3A>G on transcript NM_014000.3 (MANE Select); 3 bases into the intron after coding-DNA position 2131, A replaced by G.
Molecular consequence: intron variant.
Genome position (GRCh38, 1-based): chr10:74,103,931, A>G. VCF-style: chr10-74103931-A-G. GRCh37 (hg19) VCF-style: chr10-75863689-A-G.
Other names: c.2131+3A>G (NM_003373.4).
Identifiers: ClinVar variation 3393773 (VCV003393773.1).
Genomic context (GRCh38, chr10:74,103,931, plus strand): 5'-TATGAACATTTTGAGACCATGAAGAACCAGTGGATCGATAATGTTGAAAAAATGACAGGT[A>G]GAGTTTTCTATACAAATCTTGTTGTCTAATCCATGAAGAATGAGTTCTGAGAAATTGGAG-3'

ClinVar aggregate classification (germline): Uncertain significance (1 of 4 stars; one submission).

Submission:

GeneDx
Classification: Uncertain significance. Last evaluated: 2024-07-03. Review status: criteria provided, single submitter. Criteria: GeneDx Variant Classification Process June 2021. Collection method: clinical testing. Allele origin: germline. Affected: yes.
Comment: Not observed at significant frequency in large population cohorts (gnomAD); Has not been previously published as pathogenic or benign to our knowledge; In silico analysis is inconclusive as to whether the variant alters gene splicing. In the absence of RNA/functional studies, the actual effect of this sequence change is unknown.